The following is an entry in ClinVar:

NM_001377265.1(MAPT):c.187A>G (p.Thr63Ala)

Gene: MAPT (microtubule associated protein tau). Cytogenetic location: 17q21.31.
Variant type: single nucleotide variant.
Coding change: c.187A>G on transcript NM_001377265.1 (MANE Select); coding-DNA position 187, A replaced by G.
Protein change: p.Thr63Ala; replaces threonine 63 with alanine.
Molecular consequence: missense variant. On other transcripts: non-coding transcript variant (1), intron variant (3).
Genome position (GRCh38, 1-based): chr17:45,971,912, A>G. VCF-style: chr17-45971912-A-G. GRCh37 (hg19) VCF-style: chr17-44049278-A-G.
Other names: c.187A>G, p.Thr63Ala (NM_001123066.4, NM_001123067.4, NM_001203251.2 and 5 more transcripts); c.134-6463A>G (NM_001377268.1, NM_016834.5, NM_016841.5); short protein forms T63A.
Identifiers: ClinVar variation 4051713 (VCV004051713.2).

ClinVar aggregate classification (germline): Uncertain significance. Review status: criteria provided, multiple submitters, no conflicts (2 of 4 stars). 2 submissions from 2 submitters: Uncertain significance (2). Last evaluated 2026-01-27.

Conditions:
Frontotemporal dementia (FTD1). Also called: FRONTOTEMPORAL LOBAR DEGENERATION WITH TAU INCLUSIONS; FTLD WITH TAU INCLUSIONS; FRONTOTEMPORAL DEMENTIA WITH PARKINSONISM; FRONTOTEMPORAL LOBE DEMENTIA; MULTIPLE SYSTEM TAUOPATHY WITH PRESENILE DEMENTIA; WILHELMSEN-LYNCH DISEASE. Identifiers: Orphanet 282, MedGen C0338451, MONDO:0017276, OMIM 600274, HP:0002145.
Inborn genetic diseases. Identifiers: MedGen C0950123, MeSH D030342.

gnomAD v4.1: 1 of 1,613,738 alleles (0.000062%); highest among the groups gnomAD compares: African/African-American, 0.0013%; no homozygotes.

Submissions (2):

Labcorp Genetics (formerly Invitae), Labcorp
Classification: Uncertain significance for Frontotemporal dementia. Last evaluated: 2026-01-27. Review status: criteria provided, single submitter. Criteria: Invitae Variant Classification Sherloc (09022015). Collection method: clinical testing. Allele origin: germline.
Comment: This sequence change replaces threonine, which is neutral and polar, with alanine, which is neutral and non-polar, at codon 63 of the MAPT protein (p.Thr63Ala). This variant is not present in population databases (gnomAD no frequency). This variant has not been reported in the literature in individuals affected with MAPT-related conditions. ClinVar contains an entry for this variant (Variation ID: 4051713). An algorithm developed to predict the effect of missense changes on protein structure and function outputs the following: PolyPhen-2: "Benign". The alanine amino acid residue is found in multiple mammalian species, which suggests that this missense change does not adversely affect protein function. In summary, the available evidence is currently insufficient to determine the role of this variant in disease. Therefore, it has been classified as a Variant of Uncertain Significance.

Ambry Genetics
Classification: Uncertain significance for Inborn genetic diseases. Last evaluated: 2025-05-21. Review status: criteria provided, single submitter. Criteria: Ambry Variant Classification Scheme 2023. Collection method: clinical testing. Allele origin: germline.